The following is an entry in ClinVar:

ClinVar aggregate classification (germline): Uncertain significance. Review status: criteria provided, multiple submitters, no conflicts (2 of 4 stars). 2 submissions from 2 submitters: Uncertain significance (2). Last evaluated 2025-10-02.

Conditions:
Inborn genetic diseases. Identifiers: MedGen C0950123, MeSH D030342.
Hyperekplexia 3 (HKPX3). Also called: HYPEREKPLEXIA 3, AUTOSOMAL RECESSIVE; HYPEREKPLEXIA 3, AUTOSOMAL DOMINANT. Identifiers: Orphanet 3197, MedGen C3553288, MONDO:0013827, OMIM 614618.

gnomAD v4.1: 2 of 1,614,230 alleles (0.00012%); highest among the groups gnomAD compares: Non-Finnish European, 0.00017%; no homozygotes.

Submissions (2):

Ambry Genetics
Classification: Uncertain significance for Inborn genetic diseases. Last evaluated: 2025-10-02. Review status: criteria provided, single submitter. Criteria: Ambry Variant Classification Scheme 2023. Collection method: clinical testing. Allele origin: germline.

Labcorp Genetics (formerly Invitae), Labcorp
Classification: Uncertain significance for Hyperekplexia 3. Last evaluated: 2021-10-21. Review status: criteria provided, single submitter. Criteria: Invitae Variant Classification Sherloc (09022015). Collection method: clinical testing. Allele origin: germline.
Comment: This sequence change replaces serine, which is neutral and polar, with cysteine, which is neutral and slightly polar, at codon 513 of the SLC6A5 protein (p.Ser513Cys). This variant is not present in population databases (gnomAD no frequency). This variant has not been reported in the literature in individuals affected with SLC6A5-related conditions. Advanced modeling of protein sequence and biophysical properties (such as structural, functional, and spatial information, amino acid conservation, physicochemical variation, residue mobility, and thermodynamic stability) performed at Invitae indicates that this missense variant is expected to disrupt SLC6A5 protein function. In summary, the available evidence is currently insufficient to determine the role of this variant in disease. Therefore, it has been classified as a Variant of Uncertain Significance.

NM_004211.5(SLC6A5):c.1537A>T (p.Ser513Cys)

Gene: SLC6A5 (solute carrier family 6 member 5; plus strand). Cytogenetic location: 11p15.1.
Variant type: single nucleotide variant.
Coding change: c.1537A>T on transcript NM_004211.5 (MANE Select); coding-DNA position 1537, A replaced by T.
Protein change: p.Ser513Cys; replaces serine 513 with cysteine.
Molecular consequence: missense variant.
Genome position (GRCh38, 1-based): chr11:20,630,728, A>T. VCF-style: chr11-20630728-A-T. GRCh37 (hg19) VCF-style: chr11-20652274-A-T.
Other names: c.1537A>T (NM_004211.3); c.835A>T, p.Ser279Cys (NM_001318369.2); short protein forms S279C, S513C.
Identifiers: ClinVar variation 1360982 (VCV001360982.2), dbSNP rs2133803001, ClinGen allele CA379917475.